The following is an entry in ClinVar:

NM_001032283.3(TMPO):c.170C>A (p.Thr57Asn)

Genes: TMPO (thymopoietin; plus strand), TMPO-AS1 (TMPO antisense RNA 1; minus strand). Cytogenetic location: 12q23.1.
Variant type: single nucleotide variant.
Coding change: c.170C>A on transcript NM_001032283.3 (MANE Select); coding-DNA position 170, C replaced by A.
Protein change: p.Thr57Asn; replaces threonine 57 with asparagine.
Molecular consequence: missense variant. On other transcripts: non-coding transcript variant (1).
Genome position (GRCh38, 1-based): chr12:98,516,037, C>A. VCF-style: chr12-98516037-C-A. GRCh37 (hg19) VCF-style: chr12-98909815-C-A.
Other names: c.170C>A, p.Thr57Asn (NM_001032284.3, NM_001307975.2, NM_003276.2); short protein forms T57N.
Identifiers: ClinVar variation 1946065 (VCV001946065.6), dbSNP rs750410131, ClinGen allele CA6732120.
Genomic context (GRCh38, chr12:98,516,037, plus strand): 5'-ACGTCCAGCTCTACCTGCAGCACCTCACGGCTCGCAACCGGCCGCCGCTCCCCGCCGGCA[C>A]CAACAGCAAGGGGCCCCCGGACTTCTCCAGTGACGAAGAGCGCGAGCCCACCCCGGTCCT-3'
Protein context (NP_001027454.1, residues 47-67): ARNRPPLPAG[Thr57Asn]NSKGPPDFSS

ClinVar aggregate classification (germline): Uncertain significance. Review status: criteria provided, multiple submitters, no conflicts (2 of 4 stars). 2 submissions from 2 submitters: Uncertain significance (2). Last evaluated 2024-06-16.

Conditions:
Loeys-Dietz syndrome 2 (LDS2). Also called: AORTIC ANEURYSM, FAMILIAL THORACIC 3; MARFAN SYNDROME, TYPE II; Marfan syndrome, type 2 (formerly); TGFBR2-Related Loeys-Dietz Syndrome; Marfan Syndrome type 2; Marfan like connective tissue disorder. Identifiers: Orphanet 284973, Orphanet 558, MedGen C2674574, MONDO:0012427, OMIM 610168.

Allele frequency attached by ClinVar (database versions not stated): TOPMed below 0.00001; ExAC 0.00001.
gnomAD v4.1: 4 of 1,611,540 alleles (0.00025%); highest among the groups gnomAD compares: South Asian, 0.0011%; no homozygotes.

Submissions (2):

Ambry Genetics
Classification: Uncertain significance. Last evaluated: 2024-06-16. Review status: criteria provided, single submitter. Criteria: Ambry Variant Classification Scheme 2023. Collection method: clinical testing. Allele origin: germline.

Labcorp Genetics (formerly Invitae), Labcorp
Classification: Uncertain significance for Loeys-Dietz syndrome 2. Last evaluated: 2022-04-28. Review status: criteria provided, single submitter. Criteria: Invitae Variant Classification Sherloc (09022015). Collection method: clinical testing. Allele origin: germline.
Comment: In summary, the available evidence is currently insufficient to determine the role of this variant in disease. Therefore, it has been classified as a Variant of Uncertain Significance. Algorithms developed to predict the effect of missense changes on protein structure and function are either unavailable or do not agree on the potential impact of this missense change (SIFT: "Deleterious"; PolyPhen-2: "Benign"; Align-GVGD: "Class C0"). This variant has not been reported in the literature in individuals affected with TMPO-related conditions. The frequency data for this variant in the population databases is considered unreliable, as metrics indicate poor data quality at this position in the gnomAD database. This sequence change replaces threonine, which is neutral and polar, with asparagine, which is neutral and polar, at codon 57 of the TMPO protein (p.Thr57Asn).